The following is an entry in ClinVar:

ClinVar aggregate classification (germline): Likely benign. Review status: criteria provided, multiple submitters, no conflicts (2 of 4 stars). 2 submissions from 2 submitters: Likely benign (2). Last evaluated 2018-09-16.

Conditions:
Dilated cardiomyopathy 1AA (CMD1AA). Also called: CARDIOMYOPATHY, DILATED, 1AA, WITH OR WITHOUT LEFT VENTRICULAR NONCOMPACTION; CARDIOMYOPATHY, FAMILIAL HYPERTROPHIC, 23, WITH OR WITHOUT LEFT VENTRICULAR NONCOMPACTION; Cardiomyopathy, dilated, 1AA, with or without LVNC. Identifiers: Orphanet 154, MedGen C2677338, MONDO:0012808, OMIM 612158.

Allele frequency attached by ClinVar (database versions not stated): gnomAD exomes 0.00037 and 0.00103; ExAC 0.00150; gnomAD 0.00431 and 0.00460; ESP Exome Variant Server 0.00438; TOPMed 0.00443; 1000 Genomes Project 0.00539; 1000 Genomes Project 30x 0.00547.
gnomAD v4.1: 1,211 of 1,598,328 alleles (0.076%); highest among the groups gnomAD compares: African/African-American, 1.5%; 6 homozygotes.

Submissions (2):

GeneDx
Classification: Likely benign. Last evaluated: 2018-09-16. Review status: criteria provided, single submitter. Criteria: GeneDx Variant Classification Process June 2021. Collection method: clinical testing. Allele origin: germline. Affected: yes.

Illumina Laboratory Services, Illumina
Classification: Likely benign for Dilated cardiomyopathy 1AA. Last evaluated: 2018-01-13. Review status: criteria provided, single submitter. Criteria: ICSL Variant Classification Criteria 13 December 2019. Collection method: clinical testing. Allele origin: germline.
Comment: This variant was observed in the ICSL laboratory as part of a predisposition screen in an ostensibly healthy population. It had not been previously curated by ICSL or reported in the Human Gene Mutation Database (HGMD: prior to June 1st, 2018), and was therefore a candidate for classification through an automated scoring system. Utilizing variant allele frequency, disease prevalence and penetrance estimates, and inheritance mode, an automated score was calculated to assess if this variant is too frequent to cause the disease. Based on the score and internal cut-off values, a variant classified as likely benign is not then subjected to further curation. The score for this variant resulted in a classification of likely benign for this disease.

NM_001103.4(ACTN2):c.*46C>T

Gene: ACTN2 (actinin alpha 2; plus strand). Cytogenetic location: 1q43.
Variant type: single nucleotide variant.
Coding change: c.*46C>T on transcript NM_001103.4 (MANE Select); 46 bases downstream of the stop codon, C replaced by T.
Molecular consequence: 3 prime UTR variant.
Genome position (GRCh38, 1-based): chr1:236,762,665, C>T. VCF-style: chr1-236762665-C-T. GRCh37 (hg19) VCF-style: chr1-236925965-C-T.
Other names: c.*46C>T (NM_001278343.2, NM_001278344.2).
Identifiers: ClinVar variation 875346 (VCV000875346.7), dbSNP rs74146254, ClinGen allele CA1473520.